The following is an entry in ClinVar:

ClinVar aggregate classification (germline): Uncertain significance (1 of 4 stars; one submission).

Submission:

Labcorp Genetics (formerly Invitae), Labcorp
Classification: Uncertain significance. Last evaluated: 2022-11-01. Review status: criteria provided, single submitter. Criteria: Invitae Variant Classification Sherloc (09022015). Collection method: clinical testing. Allele origin: germline.
Comment: Algorithms developed to predict the effect of sequence changes on RNA splicing suggest that this variant may disrupt the consensus splice site. In summary, the available evidence is currently insufficient to determine the role of this variant in disease. Therefore, it has been classified as a Variant of Uncertain Significance. This variant has not been reported in the literature in individuals affected with COL4A6-related conditions. This variant is not present in population databases (gnomAD no frequency). This sequence change falls in intron 35 of the COL4A6 gene. It does not directly change the encoded amino acid sequence of the COL4A6 protein.

NM_033641.4(COL4A6):c.3494-15_3494-12del

Gene: COL4A6 (collagen type IV alpha 6 chain; minus strand). Cytogenetic location: Xq22.3.
Variant type: Deletion.
Coding change: c.3494-15_3494-12del on transcript NM_033641.4 (MANE Select); 15 bases into the intron before coding-DNA position 3494 through 12 bases into the intron before coding-DNA position 3494, 4 bases deleted (ATTC; older notation c.3494-15_3494-12delATTC).
Molecular consequence: intron variant.
Genome position (GRCh38, 1-based): chrX:108,170,028-108,170,031, GAAT deleted on the plus strand (ATTC on the coding strand, the reverse complement: COL4A6 is on the minus strand); deleting any 4 consecutive bases within chrX:108,170,028-108,170,032 gives the same sequence; the c. name uses the placement nearest the transcript's 3' end. VCF-style (leftmost placement, unchanged base first): chrX-108170027-AGAAT-A. GRCh37 (hg19) VCF-style: chrX-107413257-AGAAT-A.
Other names: c.3497-15_3497-12del (NM_001847.4); c.3494-411_3494-408del (NM_001287760.2, NM_001287759.2); c.3545-15_3545-12del (NM_001287758.2).
Identifiers: ClinVar variation 2810636 (VCV002810636.3), dbSNP rs2521784488, ClinGen allele CA2739273673.